The following is an entry in ClinVar:

ClinVar aggregate classification (germline): Uncertain significance (1 of 4 stars; one submission).

Allele frequency attached by ClinVar (database versions not stated): gnomAD 0.00002; TOPMed 0.00003; ESP Exome Variant Server 0.00008.
gnomAD v4.1: 9 of 1,613,858 alleles (0.00056%); highest among the groups gnomAD compares: African/African-American, 0.008%; no homozygotes.

Submission:

Labcorp Genetics (formerly Invitae), Labcorp
Classification: Uncertain significance. Last evaluated: 2020-09-11. Review status: criteria provided, single submitter. Criteria: Invitae Variant Classification Sherloc (09022015). Collection method: clinical testing. Allele origin: germline.
Comment: In summary, the available evidence is currently insufficient to determine the role of this variant in disease. Therefore, it has been classified as a Variant of Uncertain Significance. Algorithms developed to predict the effect of sequence changes on RNA splicing suggest that this variant may create or strengthen a splice site, but this prediction has not been confirmed by published transcriptional studies. This variant has not been reported in the literature in individuals with MAPKAPK3-related conditions. This variant is not present in population databases (ExAC no frequency). This sequence change affects codon 246 of the MAPKAPK3 mRNA. It is a 'silent' change, meaning that it does not change the encoded amino acid sequence of the MAPKAPK3 protein.

NM_001243925.2(MAPKAPK3):c.738G>A (p.Thr246=)

Gene: MAPKAPK3 (MAPK activated protein kinase 3; plus strand). Cytogenetic location: 3p21.2.
Variant type: single nucleotide variant.
Coding change: c.738G>A on transcript NM_001243925.2 (MANE Select); coding-DNA position 738, G replaced by A.
Protein change: p.Thr246=; no amino-acid change (threonine 246 retained).
Molecular consequence: synonymous variant.
Genome position (GRCh38, 1-based): chr3:50,646,173, G>A. VCF-style: chr3-50646173-G-A. GRCh37 (hg19) VCF-style: chr3-50683604-G-A.
Other names: c.738G>A, p.Thr246= (NM_001243926.2, NM_004635.5).
Identifiers: ClinVar variation 1058159 (VCV001058159.5), dbSNP rs377091540, ClinGen allele CA74628031.